The following is an entry in ClinVar:

NM_018706.7(DHTKD1):c.233C>T (p.Thr78Ile)

Gene: DHTKD1 (dehydrogenase E1 and transketolase domain containing 1; plus strand). Cytogenetic location: 10p14.
Variant type: single nucleotide variant.
Coding change: c.233C>T on transcript NM_018706.7 (MANE Select); coding-DNA position 233, C replaced by T.
Protein change: p.Thr78Ile; replaces threonine 78 with isoleucine.
Molecular consequence: missense variant.
Genome position (GRCh38, 1-based): chr10:12,081,550, C>T. VCF-style: chr10-12081550-C-T. GRCh37 (hg19) VCF-style: chr10-12123549-C-T.
Other names: short protein forms T78I.
Identifiers: ClinVar variation 3624141 (VCV003624141.2).

ClinVar aggregate classification (germline): Uncertain significance (1 of 4 stars; one submission).

Conditions:
2-aminoadipic 2-oxoadipic aciduria (AAKAD). Also called: Aminoadipic aciduria; ALPHA-AMINOADIPIC AND ALPHA-KETOADIPIC ACIDURIA. Identifiers: Orphanet 79154, MedGen C1859817, MONDO:0008774, OMIM 204750.

gnomAD v4.1: 3 of 1,614,048 alleles (0.00019%); highest among the groups gnomAD compares: African/African-American, 0.0013%; no homozygotes.

Submission:

Labcorp Genetics (formerly Invitae), Labcorp
Classification: Uncertain significance for 2-aminoadipic 2-oxoadipic aciduria. Last evaluated: 2024-08-31. Review status: criteria provided, single submitter. Criteria: Invitae Variant Classification Sherloc (09022015). Collection method: clinical testing. Allele origin: germline.
Comment: This sequence change replaces threonine, which is neutral and polar, with isoleucine, which is neutral and non-polar, at codon 78 of the DHTKD1 protein (p.Thr78Ile). This variant is not present in population databases (gnomAD no frequency). This variant has not been reported in the literature in individuals affected with DHTKD1-related conditions. Invitae Evidence Modeling of protein sequence and biophysical properties (such as structural, functional, and spatial information, amino acid conservation, physicochemical variation, residue mobility, and thermodynamic stability) indicates that this missense variant is not expected to disrupt DHTKD1 protein function with a negative predictive value of 80%. In summary, the available evidence is currently insufficient to determine the role of this variant in disease. Therefore, it has been classified as a Variant of Uncertain Significance.